The following is an entry in ClinVar:

ClinVar aggregate classification (germline): Benign. Review status: criteria provided, multiple submitters, no conflicts (2 of 4 stars). 7 submissions from 7 submitters: Benign (5). 2 of the submissions do not count toward it. Last evaluated 2026-01-27.

Allele frequency attached by ClinVar (database versions not stated): TOPMed 0.04242; 1000 Genomes Project 30x 0.04685; gnomAD exomes 0.00968; gnomAD 0.03741 and 0.03997; ESP Exome Variant Server 0.03817; ExAC 0.01164; 1000 Genomes Project 0.04493.
gnomAD v4.1: 11,220 of 1,607,286 alleles (0.7%); highest among the groups gnomAD compares: African/African-American, 13%; 653 homozygotes.

Submissions (7):

Labcorp Genetics (formerly Invitae), Labcorp
Classification: Benign. Last evaluated: 2026-01-27. Review status: criteria provided, single submitter. Criteria: Invitae Variant Classification Sherloc (09022015). Collection method: clinical testing. Allele origin: germline.

Mayo Clinic Laboratories, Mayo Clinic
Classification: Benign. Last evaluated: 2016-06-15. Review status: criteria provided, single submitter. Criteria: ACMG Guidelines, 2015. Collection method: clinical testing. Allele origin: germline. Observed: 23 variant alleles.

GeneDx
Classification: Benign. Last evaluated: 2014-03-31. Review status: criteria provided, single submitter. Criteria: GeneDx Variant Classification (06012015). Collection method: clinical testing. Allele origin: germline. Affected: yes.
Comment: This variant is considered likely benign or benign based on one or more of the following criteria: it is a conservative change, it occurs at a poorly conserved position in the protein, it is predicted to be benign by multiple in silico algorithms, and/or has population frequency not consistent with disease.

Genetic Services Laboratory, University of Chicago
Classification: Benign. Last evaluated: 2013-02-08. Review status: criteria provided, single submitter. Criteria: ACMG Guidelines, 2007. Collection method: clinical testing. Allele origin: germline. Inheritance: Autosomal dominant inheritance.

Breakthrough Genomics
Classification: Benign. Review status: criteria provided, single submitter. Criteria: ACMG Guidelines, 2015. Collection method: not provided. Allele origin: germline. Inheritance: Autosomal dominant inheritance. Affected: yes.

Clinical Genetics DNA and cytogenetics Diagnostics Lab, Erasmus MC, Erasmus Medical Center
Classification: Benign. Review status: no assertion criteria provided. Collection method: clinical testing. Allele origin: germline. Affected: yes. Study: VKGL Data-share Consensus. Not counted in ClinVar's aggregate classification.

Clinical Genetics, Academic Medical Center
Classification: Benign. Review status: no assertion criteria provided. Collection method: clinical testing. Allele origin: germline. Affected: yes. Study: VKGL Data-share Consensus. Not counted in ClinVar's aggregate classification.

NM_006086.4(TUBB3):c.277+8C>T

Gene: TUBB3 (tubulin beta 3 class III; plus strand). Cytogenetic location: 16q24.3.
Variant type: single nucleotide variant.
Coding change: c.277+8C>T on transcript NM_006086.4 (MANE Select); 8 bases into the intron after coding-DNA position 277, C replaced by T.
Molecular consequence: intron variant.
Genome position (GRCh38, 1-based): chr16:89,933,586, C>T. VCF-style: chr16-89933586-C-T. GRCh37 (hg19) VCF-style: chr16-89999994-C-T.
Other names: p.?; c.61+8C>T (NM_001197181.2).
Identifiers: ClinVar variation 137856 (VCV000137856.18), dbSNP rs77191445, ClinGen allele CA173793.
Genomic context (GRCh38, chr16:89,933,586, plus strand): 5'-TGTCCGCTCAGGGGCCTTTGGACATCTCTTCAGGCCTGACAATTTCATCTTTGGTAAGTT[C>T]CCCCTGCTCCAAGCTCTGATGGCAGACCCCATCACAGGCAAGCCCAGGTCGGTGGACGGG-3'